The following is an entry in ClinVar:

ClinVar aggregate classification (germline): Uncertain significance. Review status: criteria provided, single submitter (1 of 4 stars). 2 submissions from 2 submitters: Uncertain significance (1). 1 of the submissions does not count toward it. Last evaluated 2024-09-10.

Conditions:
ALPK2-related disorder. Also called: ALPK2-related condition.

Allele frequency attached by ClinVar (database versions not stated): 1000 Genomes Project 0.00020; 1000 Genomes Project 30x 0.00062; TOPMed 0.00187; ExAC 0.00215; gnomAD exomes 0.00252; ESP Exome Variant Server 0.00254; gnomAD 0.00256.
gnomAD v4.1: 4,019 of 1,614,112 alleles (0.25%); highest among the groups gnomAD compares: Non-Finnish European, 0.31%; 23 homozygotes.

Submissions (2):

Ambry Genetics
Classification: Uncertain significance. Last evaluated: 2024-09-10. Review status: criteria provided, single submitter. Criteria: Ambry Variant Classification Scheme 2023. Collection method: clinical testing. Allele origin: germline.
Comment: The p.V520M variant (also known as c.1558G>A), located in coding exon 3 of the ALPK2 gene, results from a G to A substitution at nucleotide position 1558. The valine at codon 520 is replaced by methionine, an amino acid with highly similar properties. This amino acid position is conserved. In addition, this alteration is predicted to be tolerated by in silico analysis. Since supporting evidence is limited at this time, the clinical significance of this alteration remains unclear.

PreventionGenetics, part of Exact Sciences
Classification: Likely benign for ALPK2-related condition. Last evaluated: 2020-06-05. Review status: no assertion criteria provided. Collection method: clinical testing. Allele origin: germline. Not counted in ClinVar's aggregate classification.
Comment: This variant is classified as likely benign based on ACMG/AMP sequence variant interpretation guidelines (Richards et al. 2015 PMID: 25741868, with internal and published modifications).

NM_052947.4(ALPK2):c.1558G>A (p.Val520Met)

Gene: ALPK2 (alpha kinase 2; minus strand). Cytogenetic location: 18q21.31.
Variant type: single nucleotide variant.
Coding change: c.1558G>A on transcript NM_052947.4 (MANE Select); coding-DNA position 1558, G replaced by A.
Protein change: p.Val520Met; replaces valine 520 with methionine.
Molecular consequence: missense variant.
Genome position (GRCh38, 1-based): chr18:58,579,218, C>T on the plus strand (G>A on the coding strand, the complement: ALPK2 is on the minus strand). VCF-style: chr18-58579218-C-T. GRCh37 (hg19) VCF-style: chr18-56246450-C-T.
Other names: short protein forms V520M.
Identifiers: ClinVar variation 1775198 (VCV001775198.5), dbSNP rs139025977, ClinGen allele CA8977230.